The following is an entry in ClinVar:

NM_173628.4(DNAH17):c.1005C>T (p.Ile335=)

Gene: DNAH17 (dynein axonemal heavy chain 17; minus strand). Cytogenetic location: 17q25.3.
Variant type: single nucleotide variant.
Coding change: c.1005C>T on transcript NM_173628.4 (MANE Select); coding-DNA position 1005, C replaced by T.
Protein change: p.Ile335=; no amino-acid change (isoleucine 335 retained).
Molecular consequence: synonymous variant.
Genome position (GRCh38, 1-based): chr17:78,570,286, G>A on the plus strand (C>T on the coding strand, the complement: DNAH17 is on the minus strand). VCF-style: chr17-78570286-G-A. GRCh37 (hg19) VCF-style: chr17-76566368-G-A.
Identifiers: ClinVar variation 3047952 (VCV003047952.2), dbSNP rs556322910, ClinGen allele CA8805375.

ClinVar aggregate classification (germline): Likely benign (0 of 4 stars; one submission).

Conditions:
DNAH17-related disorder. Also called: DNAH17-related condition.

Allele frequency attached by ClinVar (database versions not stated): gnomAD 0.00011; TOPMed 0.00011; 1000 Genomes Project 30x 0.00047; ExAC 0.00051; 1000 Genomes Project 0.00060.
gnomAD v4.1: 110 of 1,597,704 alleles (0.0069%); highest among the groups gnomAD compares: East Asian, 0.19%; no homozygotes.

Submission:

PreventionGenetics, part of Exact Sciences
Classification: Likely benign for DNAH17-related condition. Last evaluated: 2019-03-26. Review status: no assertion criteria provided. Collection method: clinical testing. Allele origin: germline.
Comment: This variant is classified as likely benign based on ACMG/AMP sequence variant interpretation guidelines (Richards et al. 2015 PMID: 25741868, with internal and published modifications).